The following is an entry in ClinVar:

NM_152515.5(CKAP2L):c.971C>A (p.Thr324Asn)

Gene: CKAP2L (cytoskeleton associated protein 2L; minus strand). Cytogenetic location: 2q14.1.
Variant type: single nucleotide variant.
Coding change: c.971C>A on transcript NM_152515.5 (MANE Select); coding-DNA position 971, C replaced by A.
Protein change: p.Thr324Asn; replaces threonine 324 with asparagine.
Molecular consequence: missense variant.
Genome position (GRCh38, 1-based): chr2:112,756,400, G>T on the plus strand (C>A on the coding strand, the complement: CKAP2L is on the minus strand). VCF-style: chr2-112756400-G-T. GRCh37 (hg19) VCF-style: chr2-113513977-G-T.
Other names: c.476C>A, p.Thr159Asn (NM_001304361.2); short protein forms T159N, T324N.
Identifiers: ClinVar variation 4822152 (VCV004822152.4).

ClinVar aggregate classification (germline): Uncertain significance (1 of 4 stars; one submission).

Submission:

CeGaT Center for Human Genetics Tuebingen
Classification: Uncertain significance. Last evaluated: 2026-01-01. Review status: criteria provided, single submitter. Criteria: CeGaT Center For Human Genetics Tuebingen Variant Classification Criteria Version 2. Collection method: clinical testing. Allele origin: germline. Affected: yes. Observed: 1 variant allele.
Comment: CKAP2L: PM2, BP4